The following is an entry in ClinVar:

ClinVar aggregate classification (germline): Conflicting classifications of pathogenicity. Review status: criteria provided, conflicting classifications (1 of 4 stars). 2 submissions from 2 submitters: Uncertain significance (1); Likely benign (1). Last evaluated 2023-11-27.

Conditions:
Inborn genetic diseases. Identifiers: MedGen C0950123, MeSH D030342.

Allele frequency attached by ClinVar (database versions not stated): 1000 Genomes Project 30x 0.00016; ESP Exome Variant Server 0.00017; 1000 Genomes Project 0.00020; gnomAD 0.00029; TOPMed 0.00029; ExAC 0.00033.
gnomAD v4.1: 347 of 1,614,094 alleles (0.021%); highest among the groups gnomAD compares: Admixed American, 0.022%; no homozygotes.

Submissions (2):

Ambry Genetics
Classification: Uncertain significance for Inborn genetic diseases. Last evaluated: 2023-11-27. Review status: criteria provided, single submitter. Criteria: Ambry Variant Classification Scheme 2023. Collection method: clinical testing. Allele origin: germline.

CeGaT Center for Human Genetics Tuebingen
Classification: Likely benign. Last evaluated: 2023-10-01. Review status: criteria provided, single submitter. Criteria: CeGaT Center For Human Genetics Tuebingen Variant Classification Criteria Version 2. Collection method: clinical testing. Allele origin: germline. Affected: yes. Observed: 1 variant allele.
Comment: SPEF2: BP4

NM_024867.4(SPEF2):c.5124A>T (p.Glu1708Asp)

Gene: SPEF2 (sperm flagellar and cilia associated 2; plus strand). Cytogenetic location: 5p13.2.
Variant type: single nucleotide variant.
Coding change: c.5124A>T on transcript NM_024867.4 (MANE Select); coding-DNA position 5124, A replaced by T.
Protein change: p.Glu1708Asp; replaces glutamic acid 1708 with aspartic acid.
Molecular consequence: missense variant.
Genome position (GRCh38, 1-based): chr5:35,806,820, A>T. VCF-style: chr5-35806820-A-T. GRCh37 (hg19) VCF-style: chr5-35806922-A-T.
Other names: short protein forms E1708D.
Identifiers: ClinVar variation 2374349 (VCV002374349.26), dbSNP rs201712580, ClinGen allele CA3231696.